The following is an entry in ClinVar:

ClinVar aggregate classification (germline): Uncertain significance (1 of 4 stars; one submission).

Submission:

Labcorp Genetics (formerly Invitae), Labcorp
Classification: Uncertain significance. Last evaluated: 2022-10-13. Review status: criteria provided, single submitter. Criteria: Invitae Variant Classification Sherloc (09022015). Collection method: clinical testing. Allele origin: germline.
Comment: This variant has not been reported in the literature in individuals affected with SLC16A1-related conditions. This variant is not present in population databases (gnomAD no frequency). This sequence change replaces isoleucine, which is neutral and non-polar, with valine, which is neutral and non-polar, at codon 435 of the SLC16A1 protein (p.Ile435Val). ClinVar contains an entry for this variant (Variation ID: 1438034). In summary, the available evidence is currently insufficient to determine the role of this variant in disease. Therefore, it has been classified as a Variant of Uncertain Significance. Algorithms developed to predict the effect of missense changes on protein structure and function output the following: SIFT: "Tolerated"; PolyPhen-2: "Benign"; Align-GVGD: "Class C0". The valine amino acid residue is found in multiple mammalian species, which suggests that this missense change does not adversely affect protein function.

NM_003051.4(SLC16A1):c.1303A>G (p.Ile435Val)

Gene: SLC16A1 (solute carrier family 16 member 1; minus strand). Cytogenetic location: 1p13.2.
Variant type: single nucleotide variant.
Coding change: c.1303A>G on transcript NM_003051.4 (MANE Select); coding-DNA position 1303, A replaced by G.
Protein change: p.Ile435Val; replaces isoleucine 435 with valine.
Molecular consequence: missense variant.
Genome position (GRCh38, 1-based): chr1:112,914,091, T>C on the plus strand (A>G on the coding strand, the complement: SLC16A1 is on the minus strand). VCF-style: chr1-112914091-T-C. GRCh37 (hg19) VCF-style: chr1-113456713-T-C.
Other names: c.1303A>G, p.Ile435Val (NM_001166496.2); short protein forms I435V.
Identifiers: ClinVar variation 1438034 (VCV001438034.6), dbSNP rs750932034, ClinGen allele CA341827078.